The following is an entry in ClinVar:

NM_005629.4(SLC6A8):c.1282G>A (p.Gly428Ser)

Gene: SLC6A8 (solute carrier family 6 member 8; plus strand). Cytogenetic location: Xq28.
Variant type: single nucleotide variant.
Coding change: c.1282G>A on transcript NM_005629.4 (MANE Select); coding-DNA position 1282, G replaced by A.
Protein change: p.Gly428Ser; replaces glycine 428 with serine.
Molecular consequence: missense variant.
Genome position (GRCh38, 1-based): chrX:153,694,157, G>A. VCF-style: chrX-153694157-G-A. GRCh37 (hg19) VCF-style: chrX-152959612-G-A.
Other names: c.1252G>A, p.Gly418Ser (NM_001142805.2); c.937G>A, p.Gly313Ser (NM_001142806.1); short protein forms G428S, G418S, G313S.
Identifiers: ClinVar variation 1040450 (VCV001040450.9), dbSNP rs2060322395, ClinGen allele CA415086722.

ClinVar aggregate classification (germline): Uncertain significance. Review status: criteria provided, single submitter (1 of 4 stars). 2 submissions from 2 submitters: Uncertain significance (1). 1 of the submissions does not count toward it. Last evaluated 2025-08-06.

Conditions:
Creatine deficiency syndrome 1.
Creatine transporter deficiency (CCDS1). Also called: CEREBRAL CREATINE DEFICIENCY SYNDROME 1; Mental retardation , X-linked with seizures, short stature and midface hypoplasia; Mental retardation , X-linked, with creatine transport deficiency; X-linked creatine transporter deficiency; X-linked creatine deficiency syndrome; SLC6A8-Related Creatine Transporter Deficiency. Identifiers: Orphanet 52503, MedGen C1845862, MONDO:0010305, OMIM 300352.

Allele frequency attached by ClinVar (database versions not stated): gnomAD exomes below 0.00001; TOPMed below 0.00001.
gnomAD v4.1: 3 of 1,210,693 alleles (0.00025%); highest among the groups gnomAD compares: Non-Finnish European, 0.00034%; no homozygotes.

Submissions (2):

Labcorp Genetics (formerly Invitae), Labcorp
Classification: Uncertain significance for Creatine transporter deficiency. Last evaluated: 2025-08-06. Review status: criteria provided, single submitter. Criteria: Invitae Variant Classification Sherloc (09022015). Collection method: clinical testing. Allele origin: germline.
Comment: This sequence change replaces glycine, which is neutral and non-polar, with serine, which is neutral and polar, at codon 428 of the SLC6A8 protein (p.Gly428Ser). This variant is not present in population databases (gnomAD no frequency). This variant has not been reported in the literature in individuals affected with SLC6A8-related conditions. ClinVar contains an entry for this variant (Variation ID: 1040450). Invitae Evidence Modeling of protein sequence and biophysical properties (such as structural, functional, and spatial information, amino acid conservation, physicochemical variation, residue mobility, and thermodynamic stability) indicates that this missense variant is not expected to disrupt SLC6A8 protein function with a negative predictive value of 95%. In summary, the available evidence is currently insufficient to determine the role of this variant in disease. Therefore, it has been classified as a Variant of Uncertain Significance.

Natera, Inc.
Classification: Uncertain significance for Creatine deficiency syndrome 1. Last evaluated: 2021-09-09. Review status: no assertion criteria provided. Collection method: clinical testing. Allele origin: germline. Not counted in ClinVar's aggregate classification.